The following is an entry in ClinVar:

NM_001009944.3(PKD1):c.11689C>G (p.Leu3897Val)

Genes: PKD1 (polycystin 1, transient receptor potential channel interacting; minus strand), PKD1-AS1 (PKD1 antisense RNA 1; plus strand). Cytogenetic location: 16p13.3.
Variant type: single nucleotide variant.
Coding change: c.11689C>G on transcript NM_001009944.3 (MANE Select); coding-DNA position 11689, C replaced by G.
Protein change: p.Leu3897Val; replaces leucine 3897 with valine.
Molecular consequence: missense variant. On other transcripts: non-coding transcript variant (1).
Genome position (GRCh38, 1-based): chr16:2,091,446, G>C on the plus strand (C>G on the coding strand, the complement: PKD1 is on the minus strand). VCF-style: chr16-2091446-G-C. GRCh37 (hg19) VCF-style: chr16-2141447-G-C.
Other names: c.11686C>G (NM_000296.3); c.11686C>G, p.Leu3896Val (NM_000296.4); short protein forms L3896V, L3897V.
Identifiers: ClinVar variation 4990424 (VCV004990424.2).
Genomic context (GRCh38, chr16:2,091,446, plus strand): 5'-GGTGGGAGGCGCGGGGTCTGGCCGGGGACGGGCGTACCGAGGTGAGCAGAGGCAGCGAGA[G>C]GCCCGCGCTGAGGCGGCGCAGCGCAAAGGGGCGGACGCTGAGGGCGGCCAGGGCGCGGCC-3'
Protein context (NP_001009944.3, residues 3887-3907): PFALRRLSAG[Leu3897Val]SLPLLTSVCL

ClinVar aggregate classification (germline): Uncertain significance. Review status: criteria provided, multiple submitters, no conflicts (2 of 4 stars). 2 submissions from 2 submitters: Uncertain significance (2). Last evaluated 2026-07-20.

Conditions:
Inborn genetic diseases. Identifiers: MedGen C0950123, MeSH D030342.
PKD1-related disorder. Also called: PKD1-related condition.

gnomAD v4.1: 16 of 1,216,058 alleles (0.0013%); highest among the groups gnomAD compares: Non-Finnish European, 0.0015%; no homozygotes.

Submissions (2):

Ambry Genetics
Classification: Uncertain significance for Inborn genetic diseases. Last evaluated: 2026-07-20. Review status: criteria provided, single submitter. Criteria: Ambry Variant Classification Scheme 2023. Collection method: clinical testing. Allele origin: germline.

PreventionGenetics, part of Exact Sciences
Classification: Uncertain significance for PKD1-related condition. Last evaluated: 2025-08-22. Review status: criteria provided, single submitter. Criteria: ACMG Guidelines, 2015. Collection method: clinical testing. Allele origin: germline.
Comment: The PKD1 c.11689C>G variant is predicted to result in the amino acid substitution p.Leu3897Val. To our knowledge, this variant has not been reported in the literature or in a large population database (gnomAD), indicating this variant is rare. At this time, the clinical significance of this variant is uncertain due to the absence of conclusive functional and genetic evidence.